The following is an entry in ClinVar:

NM_000492.4(CFTR):c.1069G>A (p.Ala357Thr)

Gene: CFTR (CF transmembrane conductance regulator; plus strand). Cytogenetic location: 7q31.2.
Variant type: single nucleotide variant.
Coding change: c.1069G>A on transcript NM_000492.4 (MANE Select); coding-DNA position 1069, G replaced by A.
Protein change: p.Ala357Thr; replaces alanine 357 with threonine.
Molecular consequence: missense variant.
Genome position (GRCh38, 1-based): chr7:117,540,299, G>A. VCF-style: chr7-117540299-G-A. GRCh37 (hg19) VCF-style: chr7-117180353-G-A.
Other names: short protein forms A357T.
Identifiers: ClinVar variation 3383043 (VCV003383043.3).

ClinVar aggregate classification (germline): Uncertain significance. Review status: criteria provided, multiple submitters, no conflicts (2 of 4 stars). 2 submissions from 2 submitters: Uncertain significance (2). Last evaluated 2024-12-06.

Conditions:
Bronchiectasis with or without elevated sweat chloride 1 (BESC1). Also called: Cystic Fibrosis-Like Syndrome. Identifiers: Orphanet 60033, MedGen C2749757, MONDO:0008887, OMIM 211400.
Hereditary pancreatitis (PCTT). Also called: Hereditary chronic pancreatitis; PRSS1-Related Hereditary Pancreatitis. Identifiers: Orphanet 676, MedGen C0238339, MONDO:0008185, OMIM 167800.
Cystic fibrosis (CF). Also called: MUCOVISCIDOSIS. Identifiers: Orphanet 586, MedGen C0010674, MONDO:0009061, OMIM 219700. Disease mechanism: loss of function.
Congenital bilateral aplasia of vas deferens from CFTR mutation (CBAVD). Identifiers: Orphanet 48, MedGen C0403814, MONDO:0010178, OMIM 277180. Disease mechanism: loss of function.

Submissions (2):

Women's Health and Genetics/Laboratory Corporation of America, LabCorp
Classification: Uncertain significance. Last evaluated: 2024-12-06. Review status: criteria provided, single submitter. Criteria: LabCorp Variant Classification Summary - May 2015. Collection method: clinical testing. Allele origin: germline.
Comment: Variant summary: CFTR c.1069G>A (p.Ala357Thr) results in a non-conservative amino acid change in the encoded protein sequence. Four of five in-silico tools predict a damaging effect of the variant on protein function. The frequency data for this variant in gnomAD is considered unreliable, as metrics indicate poor data quality at this position. c.1069G>A has been reported in the literature in heterozygous individuals affected with Congenital bilateral absence of the vas deferens (CBAVD) without a second allele change revealed (Li_2012, Wang_2020, Fang_2022), but not Cystic fibrosis. These report(s) do not provide any conclusions about association of the variant with Cystic Fibrosis. At least one publication reports experimental evidence evaluating an impact on protein function. The most pronounced variant effect results in <10% of normal activity (Bihler_2024). The following publications have been ascertained in the context of this evaluation (PMID: 38388235, 36437957, 22483971, 32020786). ClinVar contains an entry for this variant (Variation ID: 3383043). Based on the evidence outlined above, the variant was classified as VUS-possibly pathogenic.

Juno Genomics, Hangzhou Juno Genomics, Inc
Classification: Uncertain significance for Congenital bilateral aplasia of vas deferens from CFTR mutation; Cystic fibrosis; Bronchiectasis with or without elevated sweat chloride 1; Hereditary pancreatitis. Review status: criteria provided, single submitter. Criteria: ACMG Guidelines, 2015. Collection method: clinical testing. Allele origin: germline. Affected: yes.
Comment: Absent from controls (or at extremely low frequency if recessive) in Genome Aggregation Database, Exome Sequencing Project, 1000 Genomes Project, or Exome Aggregation Consortium.;For recessive disorders, detected in trans with a pathogenic variant.;Patient's phenotype or family history is highly specific for a disease with a single genetic etiology.;Multiple lines of computational evidence support a deleterious effect on the gene or gene product (conservation, evolutionary, splicing impact, etc).

Literature cited by the submitters: PubMed 22483971 (cited by Women's Health and Genetics/Laboratory Corporation of America, LabCorp); PubMed 32020786 (cited by Women's Health and Genetics/Laboratory Corporation of America, LabCorp); PubMed 36437957 (cited by Women's Health and Genetics/Laboratory Corporation of America, LabCorp); PubMed 38388235 (cited by Women's Health and Genetics/Laboratory Corporation of America, LabCorp).